The following is an entry in ClinVar:

ClinVar aggregate classification (germline): Conflicting classifications of pathogenicity. Review status: criteria provided, conflicting classifications (1 of 4 stars). 2 submissions from 2 submitters: Uncertain significance (1); Likely benign (1). Last evaluated 2024-10-24.

Conditions:
Immunodeficiency 132A. Also called: Herpes simplex encephalitis, susceptibility to, 3. Identifiers: Orphanet 1930, MedGen C3553868, MONDO:0013920, OMIM 614849.

Allele frequency attached by ClinVar (database versions not stated): ESP Exome Variant Server 0.00015; TOPMed 0.00012.
gnomAD v4.1: 48 of 1,613,568 alleles (0.003%); highest among the groups gnomAD compares: African/African-American, 0.036%; no homozygotes.

Submissions (2):

Labcorp Genetics (formerly Invitae), Labcorp
Classification: Uncertain significance for Immunodeficiency 132A. Last evaluated: 2024-10-24. Review status: criteria provided, single submitter. Criteria: Invitae Variant Classification Sherloc (09022015). Collection method: clinical testing. Allele origin: germline.
Comment: This sequence change replaces alanine, which is neutral and non-polar, with threonine, which is neutral and polar, at codon 188 of the TRAF3 protein (p.Ala188Thr). This variant is present in population databases (rs137916856, gnomAD 0.04%). This variant has not been reported in the literature in individuals affected with TRAF3-related conditions. ClinVar contains an entry for this variant (Variation ID: 864588). An algorithm developed to predict the effect of missense changes on protein structure and function outputs the following: PolyPhen-2: "Benign". The threonine amino acid residue is found in multiple mammalian species, which suggests that this missense change does not adversely affect protein function. In summary, the available evidence is currently insufficient to determine the role of this variant in disease. Therefore, it has been classified as a Variant of Uncertain Significance.

Ambry Genetics
Classification: Likely benign. Last evaluated: 2021-09-16. Review status: criteria provided, single submitter. Criteria: Ambry Variant Classification Scheme 2023. Collection method: clinical testing. Allele origin: germline.

NM_145725.3(TRAF3):c.562G>A (p.Ala188Thr)

Gene: TRAF3 (TNF receptor associated factor 3; plus strand). Cytogenetic location: 14q32.32.
Variant type: single nucleotide variant.
Coding change: c.562G>A on transcript NM_145725.3 (MANE Select); coding-DNA position 562, G replaced by A.
Protein change: p.Ala188Thr; replaces alanine 188 with threonine.
Molecular consequence: missense variant.
Genome position (GRCh38, 1-based): chr14:102,876,517, G>A. VCF-style: chr14-102876517-G-A. GRCh37 (hg19) VCF-style: chr14-103342854-G-A.
Other names: c.562G>A, p.Ala188Thr (NM_001199427.2, NM_001385142.1, NM_001385143.1 and 2 more transcripts); short protein forms A188T.
Identifiers: ClinVar variation 864588 (VCV000864588.9), dbSNP rs137916856, ClinGen allele CA7359289.